The following is an entry in ClinVar:

ClinVar aggregate classification (germline): Benign/Likely benign. Review status: criteria provided, multiple submitters, no conflicts (2 of 4 stars). 4 submissions from 4 submitters: Benign (1); Likely benign (3). Last evaluated 2025-01-08.

Conditions:
Hereditary nonpolyposis colorectal neoplasms. Identifiers: MedGen C0009405, MeSH D003123.
Lynch syndrome 5 (LYNCH5). Also called: Colorectal cancer, hereditary nonpolyposis, type 5; Hereditary non-polyposis colorectal cancer, type 5. Identifiers: Orphanet 144, MedGen C1833477, MONDO:0013710, OMIM 614350. Disease mechanism: loss of function.
Hereditary cancer-predisposing syndrome. Also called: Neoplastic Syndromes, Hereditary; Tumor predisposition; Hereditary neoplastic syndrome; Hereditary Cancer Syndrome. Identifiers: Orphanet 140162, MedGen C0027672, MeSH D009386, MONDO:0015356.

Submissions (4):

Myriad Genetics, Inc.
Classification: Benign for Lynch syndrome 5. Last evaluated: 2025-01-08. Review status: criteria provided, single submitter. Criteria: Myriad Autosomal Dominant, Autosomal Recessive and X-Linked Classification Criteria (2023). Collection method: clinical testing. Allele origin: unknown.
Comment: This variant is considered benign. This variant is a silent/synonymous amino acid change and it is not expected to impact splicing.

Labcorp Genetics (formerly Invitae), Labcorp
Classification: Likely benign for Hereditary nonpolyposis colorectal neoplasms. Last evaluated: 2024-07-08. Review status: criteria provided, single submitter. Criteria: Invitae Variant Classification Sherloc (09022015). Collection method: clinical testing. Allele origin: germline.

Color Diagnostics, LLC DBA Color Health
Classification: Likely benign for Hereditary cancer-predisposing syndrome. Last evaluated: 2020-02-09. Review status: criteria provided, single submitter. Criteria: ACMG Guidelines, 2015. Collection method: clinical testing. Allele origin: germline.

Ambry Genetics
Classification: Likely benign for Hereditary cancer-predisposing syndrome. Last evaluated: 2019-11-14. Review status: criteria provided, single submitter. Criteria: Ambry Variant Classification Scheme 2023. Collection method: clinical testing. Allele origin: germline.

NM_000179.3(MSH6):c.3952A>C (p.Arg1318=)

Gene: MSH6 (mutS homolog 6; plus strand). Cytogenetic location: 2p16.3.
Variant type: single nucleotide variant.
Coding change: c.3952A>C on transcript NM_000179.3 (MANE Select); coding-DNA position 3952, A replaced by C.
Protein change: p.Arg1318=; no amino-acid change (arginine 1318 retained).
Molecular consequence: synonymous variant.
Genome position (GRCh38, 1-based): chr2:47,806,602, A>C. VCF-style: chr2-47806602-A-C. GRCh37 (hg19) VCF-style: chr2-48033741-A-C.
Other names: c.3562A>C, p.Arg1188= (NM_001281492.2); c.3046A>C, p.Arg1016= (NM_001281493.2, NM_001281494.2).
Identifiers: ClinVar variation 824422 (VCV000824422.16), dbSNP rs1572747685, ClinGen allele CA426122174.